The following is an entry in ClinVar:

NM_006231.4(POLE):c.964T>C (p.Phe322Leu)

Gene: POLE (DNA polymerase epsilon, catalytic subunit; minus strand). Cytogenetic location: 12q24.33.
Variant type: single nucleotide variant.
Coding change: c.964T>C on transcript NM_006231.4 (MANE Select); coding-DNA position 964, T replaced by C.
Protein change: p.Phe322Leu; replaces phenylalanine 322 with leucine.
Molecular consequence: missense variant.
Genome position (GRCh38, 1-based): chr12:132,676,150, A>G on the plus strand (T>C on the coding strand, the complement: POLE is on the minus strand). VCF-style: chr12-132676150-A-G. GRCh37 (hg19) VCF-style: chr12-133252736-A-G.
Other names: short protein forms F322L.
Identifiers: ClinVar variation 484525 (VCV000484525.17), dbSNP rs1555229294, ClinGen allele CA387363720.

ClinVar aggregate classification (germline): Uncertain significance. Review status: criteria provided, multiple submitters, no conflicts (2 of 4 stars). 2 submissions from 2 submitters: Uncertain significance (2). Last evaluated 2026-01-09.

Conditions:
Hereditary cancer-predisposing syndrome. Also called: Tumor predisposition; Hereditary Cancer Syndrome; Neoplastic Syndromes, Hereditary; Hereditary neoplastic syndrome. Identifiers: Orphanet 140162, MedGen C0027672, MeSH D009386, MONDO:0015356.

Submissions (2):

Ambry Genetics
Classification: Uncertain significance for Hereditary cancer-predisposing syndrome. Last evaluated: 2026-01-09. Review status: criteria provided, single submitter. Criteria: Ambry Variant Classification Scheme 2023. Collection method: clinical testing. Allele origin: germline.
Comment: The p.F322L variant (also known as c.964T>C), located in coding exon 10 of the POLE gene, results from a T to C substitution at nucleotide position 964. The phenylalanine at codon 322 is replaced by leucine, an amino acid with highly similar properties. This amino acid position is highly conserved in available vertebrate species. In addition, this alteration is predicted to be tolerated by in silico analysis. Based on the available evidence, the clinical significance of this variant remains unclear.

Labcorp Genetics (formerly Invitae), Labcorp
Classification: Uncertain significance. Last evaluated: 2025-09-10. Review status: criteria provided, single submitter. Criteria: Invitae Variant Classification Sherloc (09022015). Collection method: clinical testing. Allele origin: germline.
Comment: This sequence change replaces phenylalanine, which is neutral and non-polar, with leucine, which is neutral and non-polar, at codon 322 of the POLE protein (p.Phe322Leu). This variant is not present in population databases (gnomAD no frequency). This variant has not been reported in the literature in individuals affected with POLE-related conditions. ClinVar contains an entry for this variant (Variation ID: 484525). Invitae Evidence Modeling of protein sequence and biophysical properties (such as structural, functional, and spatial information, amino acid conservation, physicochemical variation, residue mobility, and thermodynamic stability) has been performed for this missense variant. However, the output from this modeling did not meet the statistical confidence thresholds required to predict the impact of this variant on POLE protein function. In summary, the available evidence is currently insufficient to determine the role of this variant in disease. Therefore, it has been classified as a Variant of Uncertain Significance.